The following is an entry in ClinVar:

NM_000094.4(COL7A1):c.4979G>A (p.Arg1660Gln)

Gene: COL7A1 (collagen type VII alpha 1 chain; minus strand). Cytogenetic location: 3p21.31.
Variant type: single nucleotide variant.
Coding change: c.4979G>A on transcript NM_000094.4 (MANE Select); coding-DNA position 4979, G replaced by A.
Protein change: p.Arg1660Gln; replaces arginine 1660 with glutamine.
Molecular consequence: missense variant.
Genome position (GRCh38, 1-based): chr3:48,580,883, C>T on the plus strand (G>A on the coding strand, the complement: COL7A1 is on the minus strand). VCF-style: chr3-48580883-C-T. GRCh37 (hg19) VCF-style: chr3-48618316-C-T.
Other names: short protein forms R1660Q.
Identifiers: ClinVar variation 2181750 (VCV002181750.2), dbSNP rs373152375, ClinGen allele CA2379743.

ClinVar aggregate classification (germline): Uncertain significance (1 of 4 stars; one submission).

gnomAD v4.1: 12 of 1,614,108 alleles (0.00074%); highest among the groups gnomAD compares: South Asian, 0.0033%; no homozygotes.

Submission:

Labcorp Genetics (formerly Invitae), Labcorp
Classification: Uncertain significance. Last evaluated: 2025-10-29. Review status: criteria provided, single submitter. Criteria: Invitae Variant Classification Sherloc (09022015). Collection method: clinical testing. Allele origin: germline.
Comment: This sequence change replaces arginine, which is basic and polar, with glutamine, which is neutral and polar, at codon 1660 of the COL7A1 protein (p.Arg1660Gln). This variant is present in population databases (rs373152375, gnomAD 0.003%). This variant has not been reported in the literature in individuals affected with COL7A1-related conditions. ClinVar contains an entry for this variant (Variation ID: 2181750). Invitae Evidence Modeling of protein sequence and biophysical properties (such as structural, functional, and spatial information, amino acid conservation, physicochemical variation, residue mobility, and thermodynamic stability) indicates that this missense variant is not expected to disrupt COL7A1 protein function with a negative predictive value of 95%. In summary, the available evidence is currently insufficient to determine the role of this variant in disease. Therefore, it has been classified as a Variant of Uncertain Significance.